The following is an entry in ClinVar:

ClinVar aggregate classification (germline): Likely benign (1 of 4 stars; one submission).

Conditions:
Peutz-Jeghers syndrome (PJS). Also called: POLYPOSIS, HAMARTOMATOUS INTESTINAL; POLYPS-AND-SPOTS SYNDROME; Peutz-Jeghers polyposis; Periorificial lentiginosis syndrome. Identifiers: Orphanet 2869, MedGen C0031269, MeSH D010580, MONDO:0008280, OMIM 175200.

Submission:

Myriad Genetics, Inc.
Classification: Likely benign for Peutz-Jeghers syndrome. Last evaluated: 2025-03-28. Review status: criteria provided, single submitter. Criteria: Myriad Autosomal Dominant, Autosomal Recessive and X-Linked Classification Criteria (2023). Collection method: clinical testing. Allele origin: unknown.
Comment: This variant is considered likely benign. This variant is intronic and is not expected to impact mRNA splicing.

NM_000455.5(STK11):c.920+7_920+9delinsCGT

Gene: STK11 (serine/threonine kinase 11; plus strand). Cytogenetic location: 19p13.3.
Variant type: Indel.
Coding change: c.920+7_920+9delinsCGT on transcript NM_000455.5 (MANE Select); bases 7 to 9 of the intron after coding-DNA position 920, GGC replaced by CGT.
Molecular consequence: intron variant.
Genome position (GRCh38, 1-based): chr19:1,222,013-1,222,015, GGC replaced by CGT. VCF-style: chr19-1222013-GGC-CGT. GRCh37 (hg19) VCF-style: chr19-1222012-GGC-CGT.
Other names: c.920+7_920+9delinsCGT (NM_001407255.1).
Identifiers: ClinVar variation 3904058 (VCV003904058.1).